The following is an entry in ClinVar:

NM_033305.3(VPS13A):c.5830+95TTTTTG[2]

Gene: VPS13A (vacuolar protein sorting 13 homolog A; plus strand). Cytogenetic location: 9q21.2.
Variant type: Microsatellite.
Coding change: c.5830+95TTTTTG[2] on transcript NM_033305.3 (MANE Select); two copies in a row of the 6-base unit TTTTTG starting at c.5830+95.
Molecular consequence: intron variant.
Genome position: GRCh38 VCF-style: chr9-77321840-TTTTTTG-T. GRCh37 (hg19) VCF-style: chr9-79936756-TTTTTTG-T.
Other names: c.5713+95TTTTTG[2] (NM_001018037.2); c.5830+95TTTTTG[2] (NM_015186.4, NM_001018038.3).
Identifiers: ClinVar variation 1678794 (VCV001678794.2), dbSNP rs200975587, ClinGen allele CA194399549.
Genomic context (GRCh38, chr9:77,321,840, plus strand): 5'-TTTTGTTTTAAATTACAATTTACATGTTATTTTACTCTTTTGTAGAATCTTAGCAAGGTT[TTTTTTG>T]TTTTTGTTTTTGTTTTTTTAAAATATCCTTTCTAATAGGTCAAGAACTGTTTTTTGTCTT-3'

ClinVar aggregate classification (germline): Likely benign (1 of 4 stars; one submission).

Submission:

GeneDx
Classification: Likely benign. Last evaluated: 2021-10-23. Review status: criteria provided, single submitter. Criteria: GeneDx Variant Classification Process June 2021. Collection method: clinical testing. Allele origin: germline. Affected: yes.
Comment: See Variant Classification Assertion Criteria.